The following is an entry in ClinVar:

NM_000038.6(APC):c.250G>C (p.Gly84Arg)

Gene: APC (APC regulator of Wnt signaling pathway; plus strand). Cytogenetic location: 5q22.2.
Variant type: single nucleotide variant.
Coding change: c.250G>C on transcript NM_000038.6 (MANE Select); coding-DNA position 250, G replaced by C.
Protein change: p.Gly84Arg; replaces glycine 84 with arginine.
Molecular consequence: missense variant. On other transcripts: 5 prime UTR variant (1).
Genome position (GRCh38, 1-based): chr5:112,767,218, G>C. VCF-style: chr5-112767218-G-C. GRCh37 (hg19) VCF-style: chr5-112102915-G-C.
Other names: c.250G>C, p.Gly84Arg (NM_001127510.3, NM_001354895.2, NM_001354896.2 and 2 more transcripts); c.280G>C, p.Gly94Arg (NM_001127511.3, NM_001354897.2, NM_001354902.2); c.175G>C, p.Gly59Arg (NM_001354898.2, NM_001354904.2); c.73G>C, p.Gly25Arg (NM_001354900.2, NM_001354901.2, NM_001354905.2); c.-786G>C (NM_001354906.2); c.250G>C (NM_000038.5); short protein forms G25R, G94R, G84R, G59R.
Identifiers: ClinVar variation 1478710 (VCV001478710.4), dbSNP rs1756435939, ClinGen allele CA16021892.

ClinVar aggregate classification (germline): Uncertain significance. Review status: criteria provided, multiple submitters, no conflicts (2 of 4 stars). 2 submissions from 2 submitters: Uncertain significance (2). Last evaluated 2025-05-30.

Conditions:
Hereditary cancer-predisposing syndrome. Also called: Tumor predisposition; Hereditary Cancer Syndrome; Hereditary neoplastic syndrome; Neoplastic Syndromes, Hereditary. Identifiers: Orphanet 140162, MedGen C0027672, MeSH D009386, MONDO:0015356.
Familial adenomatous polyposis 1 (FAP1). Also called: FAMILIAL ADENOMATOUS POLYPOSIS 1, ATTENUATED; POLYPOSIS, ADENOMATOUS INTESTINAL. Identifiers: MedGen C2713442, MONDO:0021056, OMIM 175100. Disease mechanism: loss of function.

Submissions (2):

Ambry Genetics
Classification: Uncertain significance for Hereditary cancer-predisposing syndrome. Last evaluated: 2025-05-30. Review status: criteria provided, single submitter. Criteria: Ambry Variant Classification Scheme 2023. Collection method: clinical testing. Allele origin: germline.
Comment: The p.G84R variant (also known as c.250G>C), located in coding exon 3 of the APC gene, results from a G to C substitution at nucleotide position 250. The glycine at codon 84 is replaced by arginine, an amino acid with dissimilar properties. This amino acid position is highly conserved in available vertebrate species. In addition, in silico predictors for this gene do not accurately predict pathogenicity. Missense alterations in APC are not a common cause of disease (Spier I et al. Genet Med. 2024 Feb;26(2):100992). Based on the available evidence, the clinical significance of this variant remains unclear.

Labcorp Genetics (formerly Invitae), Labcorp
Classification: Uncertain significance for Familial adenomatous polyposis 1. Last evaluated: 2021-08-04. Review status: criteria provided, single submitter. Criteria: Invitae Variant Classification Sherloc (09022015). Collection method: clinical testing. Allele origin: germline.
Comment: This sequence change replaces glycine with arginine at codon 84 of the APC protein (p.Gly84Arg). The glycine residue is highly conserved and there is a moderate physicochemical difference between glycine and arginine. This variant is not present in population databases (ExAC no frequency). This variant has not been reported in the literature in individuals affected with APC-related conditions. Algorithms developed to predict the effect of missense changes on protein structure and function are either unavailable or do not agree on the potential impact of this missense change (SIFT: "Deleterious"; PolyPhen-2: "Benign"; Align-GVGD: "Class C0"). In summary, the available evidence is currently insufficient to determine the role of this variant in disease. Therefore, it has been classified as a Variant of Uncertain Significance.